The following is an entry in ClinVar:

NM_182961.4(SYNE1):c.13989C>A (p.Phe4663Leu)

Gene: SYNE1 (spectrin repeat containing nuclear envelope protein 1; minus strand). Cytogenetic location: 6q25.2.
Variant type: single nucleotide variant.
Coding change: c.13989C>A on transcript NM_182961.4 (MANE Select); coding-DNA position 13989, C replaced by A.
Protein change: p.Phe4663Leu; replaces phenylalanine 4663 with leucine.
Molecular consequence: missense variant.
Genome position (GRCh38, 1-based): chr6:152,330,696, G>T on the plus strand (C>A on the coding strand, the complement: SYNE1 is on the minus strand). VCF-style: chr6-152330696-G-T. GRCh37 (hg19) VCF-style: chr6-152651831-G-T.
Other names: c.13776C>A, p.Phe4592Leu (NM_033071.5); short protein forms F4592L, F4663L.
Identifiers: ClinVar variation 502078 (VCV000502078.10), dbSNP rs1166869172, ClinGen allele CA366099001.

ClinVar aggregate classification (germline): Uncertain significance. Review status: criteria provided, multiple submitters, no conflicts (2 of 4 stars). 3 submissions from 3 submitters: Uncertain significance (3). Last evaluated 2023-11-27.

Conditions:
Emery-Dreifuss muscular dystrophy 4, autosomal dominant (EDMD4). Also called: EMERY-DREIFUSS MUSCULAR DYSTROPHY 4 WITH VARIABLE FEATURES. Identifiers: Orphanet 261, MedGen C2751807, MONDO:0013071, OMIM 612998.
Autosomal recessive ataxia, Beauce type. Also called: SYNE1 Deficiency; Spinocerebellar ataxia, autosomal recessive 8; ATAXIA, RECESSIVE, OF BEAUCE; SYNE1-Related Autosomal Recessive Cerebellar Ataxia. Identifiers: Orphanet 88644, MedGen C1853116, MONDO:0012549, OMIM 610743.

Allele frequency attached by ClinVar (database versions not stated): TOPMed below 0.00001; gnomAD 0.00001; gnomAD exomes 0.00002.
gnomAD v4.1: 9 of 1,613,826 alleles (0.00056%); highest among the groups gnomAD compares: Admixed American, 0.0083%; no homozygotes.

Submissions (3):

Labcorp Genetics (formerly Invitae), Labcorp
Classification: Uncertain significance for Emery-Dreifuss muscular dystrophy 4, autosomal dominant; Autosomal recessive ataxia, Beauce type. Last evaluated: 2023-11-27. Review status: criteria provided, single submitter. Criteria: Invitae Variant Classification Sherloc (09022015). Collection method: clinical testing. Allele origin: germline.
Comment: This sequence change replaces phenylalanine, which is neutral and non-polar, with leucine, which is neutral and non-polar, at codon 4592 of the SYNE1 protein (p.Phe4592Leu). This variant is present in population databases (no rsID available, gnomAD 0.009%). This variant has not been reported in the literature in individuals affected with SYNE1-related conditions. ClinVar contains an entry for this variant (Variation ID: 502078). An algorithm developed to predict the effect of missense changes on protein structure and function (PolyPhen-2) suggests that this variant is likely to be tolerated. In summary, the available evidence is currently insufficient to determine the role of this variant in disease. Therefore, it has been classified as a Variant of Uncertain Significance.

Athena Diagnostics
Classification: Uncertain significance. Last evaluated: 2019-05-23. Review status: criteria provided, single submitter. Criteria: Athena Diagnostics Criteria. Collection method: clinical testing. Allele origin: germline.

Eurofins Ntd Llc (ga)
Classification: Uncertain significance. Last evaluated: 2017-05-24. Review status: criteria provided, single submitter. Criteria: EGL Classification Definitions 2015. Collection method: clinical testing. Allele origin: germline. Observed: 1 variant allele, 1 heterozygote.